The following is an entry in ClinVar:

ClinVar aggregate classification (germline): Pathogenic. Review status: criteria provided, multiple submitters, no conflicts (2 of 4 stars). 3 submissions from 3 submitters: Pathogenic (3). Last evaluated 2024-01-03.

Conditions:
Hereditary cancer-predisposing syndrome. Also called: Hereditary neoplastic syndrome; Hereditary Cancer Syndrome; Neoplastic Syndromes, Hereditary; Tumor predisposition. Identifiers: Orphanet 140162, MedGen C0027672, MeSH D009386, MONDO:0015356.
Breast-ovarian cancer, familial, susceptibility to, 3. Also called: RAD51C-Related Breast/Ovarian Cancer. Identifiers: Orphanet 145, MedGen C3150659, MONDO:0013253, OMIM 613399.
Fanconi anemia complementation group O. Also called: RAD51C-Related Fanconi Anemia. Identifiers: Orphanet 84, MedGen C3150653, MONDO:0013248, OMIM 613390.

Submissions (3):

Myriad Genetics, Inc.
Classification: Pathogenic for Breast-ovarian cancer, familial, susceptibility to, 3. Last evaluated: 2024-01-03. Review status: criteria provided, single submitter. Criteria: Myriad Autosomal Dominant, Autosomal Recessive and X-Linked Classification Criteria (2023). Collection method: clinical testing. Allele origin: unknown.
Comment: This variant is considered pathogenic. This variant creates a termination codon and is predicted to result in premature protein truncation.

Ambry Genetics
Classification: Pathogenic for Hereditary cancer-predisposing syndrome. Last evaluated: 2023-01-11. Review status: criteria provided, single submitter. Criteria: Ambry Variant Classification Scheme 2023. Collection method: clinical testing. Allele origin: germline.
Comment: The p.W305* pathogenic mutation (also known as c.915G>A), located in coding exon 7 of the RAD51C gene, results from a G to A substitution at nucleotide position 915. This changes the amino acid from a tryptophan to a stop codon within coding exon 7. This alteration was identified in an individual diagnosed with colorectal cancer (Xu T et al. Front Oncol, 2020 Oct;10:568911). This variant is considered to be rare based on population cohorts in the Genome Aggregation Database (gnomAD). In addition to the clinical data presented in the literature, this alteration is expected to result in loss of function by premature protein truncation or nonsense-mediated mRNA decay. As such, this alteration is interpreted as a disease-causing mutation.

Labcorp Genetics (formerly Invitae), Labcorp
Classification: Pathogenic for Fanconi anemia complementation group O. Last evaluated: 2022-03-13. Review status: criteria provided, single submitter. Criteria: Invitae Variant Classification Sherloc (09022015). Collection method: clinical testing. Allele origin: germline.
Comment: This sequence change creates a premature translational stop signal (p.Trp305*) in the RAD51C gene. It is expected to result in an absent or disrupted protein product. Loss-of-function variants in RAD51C are known to be pathogenic (PMID: 20400964, 21990120, 24800917). This variant is not present in population databases (gnomAD no frequency). This premature translational stop signal has been observed in individual(s) with ovarian cancer (PMID: 30322717). For these reasons, this variant has been classified as Pathogenic.

Literature cited by the submitters: PubMed 33194656 (cited by Ambry Genetics); PubMed 20400964 (cited by Labcorp Genetics (formerly Invitae), Labcorp); PubMed 21990120 (cited by Labcorp Genetics (formerly Invitae), Labcorp); PubMed 24800917 (cited by Labcorp Genetics (formerly Invitae), Labcorp); PubMed 30322717 (cited by Labcorp Genetics (formerly Invitae), Labcorp).

NM_058216.3(RAD51C):c.915G>A (p.Trp305Ter)

Gene: RAD51C (RAD51 paralog C; plus strand). Cytogenetic location: 17q22.
Variant type: single nucleotide variant.
Coding change: c.915G>A on transcript NM_058216.3 (MANE Select); coding-DNA position 915, G replaced by A.
Protein change: p.Trp305Ter; replaces tryptophan 305 with a stop codon.
Molecular consequence: nonsense. On other transcripts: non-coding transcript variant (1).
Genome position (GRCh38, 1-based): chr17:58,724,050, G>A. VCF-style: chr17-58724050-G-A. GRCh37 (hg19) VCF-style: chr17-56801411-G-A.
Other names: c.915G>A (NM_058216.1); short protein forms W305*.
Identifiers: ClinVar variation 1364557 (VCV001364557.9), dbSNP rs2143961567, ClinGen allele CA400361314.
Genomic context (GRCh38, chr17:58,724,050, plus strand): 5'-ATAACCAAGTCAGTAAGGCCATATACAGTTATTATGTTTTTTACTCTCAGGGGAAAGTTG[G>A]GGACATGCTGCTACAATACGGCTAATCTTTCATTGGGACCGAAAGCAAAGGTCAGTACAG-3'